The following is an entry in ClinVar:

ClinVar aggregate classification (germline): Uncertain significance (0 of 4 stars; one submission).

Conditions:
DPP10-related disorder. Also called: DPP10-related condition.

Submission:

PreventionGenetics, part of Exact Sciences
Classification: Uncertain significance for DPP10-related condition. Last evaluated: 2024-06-26. Review status: no assertion criteria provided. Collection method: clinical testing. Allele origin: germline.
Comment: The DPP10 c.213C>G variant is predicted to result in the amino acid substitution p.Ile71Met. To our knowledge, this variant has not been reported in the literature or in a large population database, indicating this variant is rare. At this time, the clinical significance of this variant is uncertain due to the absence of conclusive functional and genetic evidence.

NM_020868.6(DPP10):c.162C>G (p.Ile54Met)

Gene: DPP10 (dipeptidyl peptidase like 10; plus strand). Cytogenetic location: 2q14.1.
Variant type: single nucleotide variant.
Coding change: c.162C>G on transcript NM_020868.6 (MANE Select); coding-DNA position 162, C replaced by G.
Protein change: p.Ile54Met; replaces isoleucine 54 with methionine.
Molecular consequence: missense variant. On other transcripts: 5 prime UTR variant (2), intron variant (3).
Genome position (GRCh38, 1-based): chr2:115,309,340, C>G. VCF-style: chr2-115309340-C-G. GRCh37 (hg19) VCF-style: chr2-116066916-C-G.
Other names: c.141C>G, p.Ile47Met (NM_001004360.5, NM_001321906.2, NM_001321909.3); c.174C>G, p.Ile58Met (NM_001178034.1); c.12C>G, p.Ile4Met (NM_001178036.3, NM_001321910.3, NM_001321911.3 and 2 more transcripts); c.150C>G, p.Ile50Met (NM_001178037.3); c.213C>G, p.Ile71Met (NM_001321905.3); c.162C>G, p.Ile54Met (NM_001321907.3); c.-596C>G (NM_001321914.2); c.-631C>G (NM_001399850.1); and 3 more; short protein forms I47M, I4M, I50M, I54M, I58M, I71M.
Identifiers: ClinVar variation 3345236 (VCV003345236.1).